The following is an entry in ClinVar:

ClinVar aggregate classification (germline): Uncertain significance (1 of 4 stars; one submission).

Submission:

Labcorp Genetics (formerly Invitae), Labcorp
Classification: Uncertain significance. Last evaluated: 2021-02-21. Review status: criteria provided, single submitter. Criteria: Invitae Variant Classification Sherloc (09022015). Collection method: clinical testing. Allele origin: germline.
Comment: This variant is not present in population databases (ExAC no frequency). In summary, the available evidence is currently insufficient to determine the role of this variant in disease. Therefore, it has been classified as a Variant of Uncertain Significance. Algorithms developed to predict the effect of missense changes on protein structure and function (SIFT, PolyPhen-2, Align-GVGD) all suggest that this variant is likely to be tolerated, but these predictions have not been confirmed by published functional studies and their clinical significance is uncertain. This variant has not been reported in the literature in individuals with SLC30A10-related conditions. This sequence change replaces alanine with proline at codon 75 of the SLC30A10 protein (p.Ala75Pro). The alanine residue is weakly conserved and there is a small physicochemical difference between alanine and proline.

NM_018713.3(SLC30A10):c.223G>C (p.Ala75Pro)

Gene: SLC30A10 (solute carrier family 30 member 10; minus strand). Cytogenetic location: 1q41.
Variant type: single nucleotide variant.
Coding change: c.223G>C on transcript NM_018713.3 (MANE Select); coding-DNA position 223, G replaced by C.
Protein change: p.Ala75Pro; replaces alanine 75 with proline.
Molecular consequence: missense variant. On other transcripts: non-coding transcript variant (1), intron variant (1).
Genome position (GRCh38, 1-based): chr1:219,928,218, C>G on the plus strand (G>C on the coding strand, the complement: SLC30A10 is on the minus strand). VCF-style: chr1-219928218-C-G. GRCh37 (hg19) VCF-style: chr1-220101560-C-G.
Other names: c.452-1113G>C (NM_001376929.1); short protein forms A75P.
Identifiers: ClinVar variation 1374890 (VCV001374890.8), dbSNP rs1659895633, ClinGen allele CA344734077.